The following is an entry in ClinVar:

ClinVar aggregate classification (germline): Likely benign. Review status: criteria provided, multiple submitters, no conflicts (2 of 4 stars). 2 submissions from 2 submitters: Likely benign (2). Last evaluated 2026-01-13.

Conditions:
GLIS3-related disorder. Also called: GLIS3-related condition.

Allele frequency attached by ClinVar (database versions not stated): gnomAD exomes 0.00006 and 0.00012; ExAC 0.00010; TOPMed 0.00035; ESP Exome Variant Server 0.00046; gnomAD 0.00053 and 0.00056; 1000 Genomes Project 0.00060; 1000 Genomes Project 30x 0.00062.
gnomAD v4.1: 167 of 1,613,806 alleles (0.01%); highest among the groups gnomAD compares: African/African-American, 0.15%; no homozygotes.

Submissions (2):

PreventionGenetics, part of Exact Sciences
Classification: Likely benign for GLIS3-related condition. Last evaluated: 2026-01-13. Review status: criteria provided, single submitter. Criteria: ACMG Guidelines, 2015. Collection method: clinical testing. Allele origin: germline.
Comment: This variant is classified as likely benign based on ACMG/AMP sequence variant interpretation guidelines (Richards et al. 2015 PMID: 25741868, with internal and published modifications).

Labcorp Genetics (formerly Invitae), Labcorp
Classification: Likely benign. Last evaluated: 2025-06-10. Review status: criteria provided, single submitter. Criteria: Invitae Variant Classification Sherloc (09022015). Collection method: clinical testing. Allele origin: germline.

NM_001042413.2(GLIS3):c.2709C>T (p.Ser903=)

Gene: GLIS3 (GLIS family zinc finger 3; minus strand). Cytogenetic location: 9p24.2.
Variant type: single nucleotide variant.
Coding change: c.2709C>T on transcript NM_001042413.2 (MANE Select); coding-DNA position 2709, C replaced by T.
Protein change: p.Ser903=; no amino-acid change (serine 903 retained).
Molecular consequence: synonymous variant.
Genome position (GRCh38, 1-based): chr9:3,828,356, G>A on the plus strand (C>T on the coding strand, the complement: GLIS3 is on the minus strand). VCF-style: chr9-3828356-G-A. GRCh37 (hg19) VCF-style: chr9-3828356-G-A.
Other names: c.2244C>T, p.Ser748= (NM_152629.4); c.2709C>T (NM_001042413.1).
Identifiers: ClinVar variation 747969 (VCV000747969.7), dbSNP rs137946889, ClinGen allele CA4967657.